The following is an entry in ClinVar:

NM_014633.5(CTR9):c.450A>G (p.Ala150=)

Gene: CTR9 (CTR9 component of Paf1/RNA polymerase II complex; plus strand). Cytogenetic location: 11p15.4.
Variant type: single nucleotide variant.
Coding change: c.450A>G on transcript NM_014633.5 (MANE Select); coding-DNA position 450, A replaced by G.
Protein change: p.Ala150=; no amino-acid change (alanine 150 retained).
Molecular consequence: synonymous variant.
Genome position (GRCh38, 1-based): chr11:10,755,743, A>G. VCF-style: chr11-10755743-A-G. GRCh37 (hg19) VCF-style: chr11-10777290-A-G.
Other names: c.450A>G, p.Ala150= (NM_001346279.2).
Identifiers: ClinVar variation 3389126 (VCV003389126.14).

ClinVar aggregate classification (germline): Likely benign (1 of 4 stars; one submission).

gnomAD v4.1: 5 of 1,613,572 alleles (0.00031%); highest among the groups gnomAD compares: Non-Finnish European, 0.00042%; no homozygotes.

Submission:

CeGaT Center for Human Genetics Tuebingen
Classification: Likely benign. Last evaluated: 2024-09-01. Review status: criteria provided, single submitter. Criteria: CeGaT Center For Human Genetics Tuebingen Variant Classification Criteria Version 2. Collection method: clinical testing. Allele origin: germline. Affected: yes. Observed: 1 variant allele.
Comment: CTR9: BP4, BP7